The following is an entry in ClinVar:

ClinVar aggregate classification (germline): Uncertain significance (1 of 4 stars; one submission).

Conditions:
Hyperekplexia 3 (HKPX3). Also called: HYPEREKPLEXIA 3, AUTOSOMAL RECESSIVE; HYPEREKPLEXIA 3, AUTOSOMAL DOMINANT. Identifiers: Orphanet 3197, MedGen C3553288, MONDO:0013827, OMIM 614618.

gnomAD v4.1: 5 of 1,611,450 alleles (0.00031%); highest among the groups gnomAD compares: East Asian, 0.0022%; no homozygotes.

Submission:

Labcorp Genetics (formerly Invitae), Labcorp
Classification: Uncertain significance for Hyperekplexia 3. Last evaluated: 2025-11-17. Review status: criteria provided, single submitter. Criteria: Invitae Variant Classification Sherloc (09022015). Collection method: clinical testing. Allele origin: germline.
Comment: This sequence change replaces glycine, which is neutral and non-polar, with arginine, which is basic and polar, at codon 115 of the SLC6A5 protein (p.Gly115Arg). This variant is not present in population databases (gnomAD no frequency). This variant has not been reported in the literature in individuals affected with SLC6A5-related conditions. Invitae Evidence Modeling of protein sequence and biophysical properties (such as structural, functional, and spatial information, amino acid conservation, physicochemical variation, residue mobility, and thermodynamic stability) indicates that this missense variant is not expected to disrupt SLC6A5 protein function with a negative predictive value of 95%. In summary, the available evidence is currently insufficient to determine the role of this variant in disease. Therefore, it has been classified as a Variant of Uncertain Significance.

NM_004211.5(SLC6A5):c.343G>C (p.Gly115Arg)

Gene: SLC6A5 (solute carrier family 6 member 5; plus strand). Cytogenetic location: 11p15.1.
Variant type: single nucleotide variant.
Coding change: c.343G>C on transcript NM_004211.5 (MANE Select); coding-DNA position 343, G replaced by C.
Protein change: p.Gly115Arg; replaces glycine 115 with arginine.
Molecular consequence: missense variant. On other transcripts: 5 prime UTR variant (1).
Genome position (GRCh38, 1-based): chr11:20,601,468, G>C. VCF-style: chr11-20601468-G-C. GRCh37 (hg19) VCF-style: chr11-20623014-G-C.
Other names: c.-221G>C (NM_001318369.2); short protein forms G115R.
Identifiers: ClinVar variation 4708495 (VCV004708495.1).